The following is an entry in ClinVar:

NM_000111.3(SLC26A3):c.203G>A (p.Arg68Gln)

Gene: SLC26A3 (solute carrier family 26 member 3; minus strand). Cytogenetic location: 7q22.3.
Variant type: single nucleotide variant.
Coding change: c.203G>A on transcript NM_000111.3 (MANE Select); coding-DNA position 203, G replaced by A.
Protein change: p.Arg68Gln; replaces arginine 68 with glutamine.
Molecular consequence: missense variant.
Genome position (GRCh38, 1-based): chr7:107,793,810, C>T on the plus strand (G>A on the coding strand, the complement: SLC26A3 is on the minus strand). VCF-style: chr7-107793810-C-T. GRCh37 (hg19) VCF-style: chr7-107434255-C-T.
Other names: short protein forms R68Q.
Identifiers: ClinVar variation 358560 (VCV000358560.22), dbSNP rs10280704, ClinGen allele CA4434219.

ClinVar aggregate classification (germline): Benign/Likely benign. Review status: criteria provided, multiple submitters, no conflicts (2 of 4 stars). 5 submissions from 5 submitters: Benign (2); Likely benign (2). 1 of the submissions does not count toward it. Last evaluated 2026-01-26.

Conditions:
SLC26A3-related disorder. Also called: SLC26A3-related condition.
Congenital secretory diarrhea, chloride type (DIAR1). Also called: DIARRHEA 1, SECRETORY CHLORIDE, CONGENITAL; CHLORIDORRHEA, CONGENITAL; CHLORIDE DIARRHEA, CONGENITAL, FINNISH TYPE. Identifiers: Orphanet 53689, MedGen C0267662, MONDO:0008964, OMIM 214700.

Allele frequency attached by ClinVar (database versions not stated): gnomAD exomes 0.00116 and 0.00299; ExAC 0.00368; gnomAD 0.01151 and 0.01252; 1000 Genomes Project 0.01218; 1000 Genomes Project 30x 0.01234; ESP Exome Variant Server 0.01238; TOPMed 0.01332.
gnomAD v4.1: 3,469 of 1,614,076 alleles (0.21%); highest among the groups gnomAD compares: African/African-American, 4.1%; 67 homozygotes.

Submissions (5):

Labcorp Genetics (formerly Invitae), Labcorp
Classification: Benign. Last evaluated: 2026-01-26. Review status: criteria provided, single submitter. Criteria: Invitae Variant Classification Sherloc (09022015). Collection method: clinical testing. Allele origin: germline.

GeneDx
Classification: Likely benign. Last evaluated: 2024-12-10. Review status: criteria provided, single submitter. Criteria: GeneDx Variant Classification Process June 2021. Collection method: clinical testing. Allele origin: germline. Affected: yes.
Comment: See Variant Classification Assertion Criteria.

Illumina Laboratory Services, Illumina
Classification: Benign for Congenital secretory diarrhea, chloride type. Last evaluated: 2018-01-12. Review status: criteria provided, single submitter. Criteria: ICSL Variant Classification Criteria 13 December 2019. Collection method: clinical testing. Allele origin: germline.
Comment: This variant was observed in the ICSL laboratory as part of a predisposition screen in an ostensibly healthy population. It had not been previously curated by ICSL or reported in the Human Gene Mutation Database (HGMD: prior to June 1st, 2018), and was therefore a candidate for classification through an automated scoring system. Utilizing variant allele frequency, disease prevalence and penetrance estimates, and inheritance mode, an automated score was calculated to assess if this variant is too frequent to cause the disease. Based on the score and internal cut-off values, a variant classified as benign is not then subjected to further curation. The score for this variant resulted in a classification of benign for this disease.

Breakthrough Genomics
Classification: Likely benign. Review status: criteria provided, single submitter. Criteria: ACMG Guidelines, 2015. Collection method: not provided. Allele origin: germline. Inheritance: Autosomal recessive inheritance. Affected: yes.

PreventionGenetics, part of Exact Sciences
Classification: Benign for SLC26A3-related condition. Last evaluated: 2019-02-26. Review status: no assertion criteria provided. Collection method: clinical testing. Allele origin: germline. Not counted in ClinVar's aggregate classification.
Comment: This variant is classified as benign based on ACMG/AMP sequence variant interpretation guidelines (Richards et al. 2015 PMID: 25741868, with internal and published modifications).